The following is an entry in ClinVar:

ClinVar aggregate classification (germline): Conflicting classifications of pathogenicity. Review status: criteria provided, conflicting classifications (1 of 4 stars). 2 submissions from 2 submitters: Uncertain significance (1); Likely benign (1). Last evaluated 2023-03-15.

Allele frequency attached by ClinVar (database versions not stated): gnomAD 0.00030; TOPMed 0.00031; ExAC 0.00057; 1000 Genomes Project 0.00060; 1000 Genomes Project 30x 0.00078.
gnomAD v4.1: 275 of 1,613,312 alleles (0.017%); highest among the groups gnomAD compares: East Asian, 0.35%; no homozygotes.

Submissions (2):

Blueprint Genetics
Classification: Uncertain significance. Last evaluated: 2023-03-15. Review status: criteria provided, single submitter. Criteria: ACMG Guidelines, 2015. Collection method: clinical testing. Allele origin: germline.

GeneDx
Classification: Likely benign. Last evaluated: 2017-07-20. Review status: criteria provided, single submitter. Criteria: GeneDx Variant Classification (06012015). Collection method: clinical testing. Allele origin: germline. Affected: yes.
Comment: This variant is considered likely benign or benign based on one or more of the following criteria: it is a conservative change, it occurs at a poorly conserved position in the protein, it is predicted to be benign by multiple in silico algorithms, and/or has population frequency not consistent with disease.

NM_000642.3(AGL):c.83-34A>G

Gene: AGL (amylo-alpha-1,6-glucosidase and 4-alpha-glucanotransferase; plus strand). Cytogenetic location: 1p21.2.
Variant type: single nucleotide variant.
Coding change: c.83-34A>G on transcript NM_000642.3 (MANE Select); 34 bases into the intron before coding-DNA position 83, A replaced by G.
Molecular consequence: intron variant.
Genome position (GRCh38, 1-based): chr1:99,861,469, A>G. VCF-style: chr1-99861469-A-G. GRCh37 (hg19) VCF-style: chr1-100327025-A-G.
Other names: c.83-34A>G (NM_000643.3, NM_000644.3, NM_001425326.1 and 5 more transcripts); c.35-34A>G (NM_000646.3); c.83-2917A>G (NM_001425332.1).
Identifiers: ClinVar variation 510590 (VCV000510590.2), dbSNP rs200998407, ClinGen allele CA966047.
Genomic context (GRCh38, chr1:99,861,469, plus strand): 5'-TCAAGGTTTTTTAATACTTTAAATAAAACATCTGTTTTTCAATGTGGTAATTTAAGTCCT[A>G]CGATGAGTTTATTAACATGTGCTTTTTATTTAGGGTATGAGCTACAGTTCCGATTAGGCC-3'